The following is an entry in ClinVar:

NM_000051.4(ATM):c.378T>A (p.Asp126Glu)

Gene: ATM (ATM serine/threonine kinase; plus strand). Cytogenetic location: 11q22.3.
Variant type: single nucleotide variant.
Coding change: c.378T>A on transcript NM_000051.4 (MANE Select); coding-DNA position 378, T replaced by A.
Protein change: p.Asp126Glu; replaces aspartic acid 126 with glutamic acid.
Molecular consequence: missense variant.
Genome position (GRCh38, 1-based): chr11:108,235,716, T>A. VCF-style: chr11-108235716-T-A. GRCh37 (hg19) VCF-style: chr11-108106443-T-A.
Other names: NP_000042.3:p.Asp126Glu; c.378T>A, p.Asp126Glu (NM_001351834.2); short protein forms D126E.
Identifiers: ClinVar variation 128455 (VCV000128455.61), dbSNP rs2234997, ClinGen allele CA151923.

ClinVar aggregate classification (germline): Benign/Likely benign. Review status: criteria provided, multiple submitters, no conflicts (2 of 4 stars). 27 submissions from 27 submitters: Benign (17); Likely benign (2). 8 of the submissions do not count toward it. Last evaluated 2026-02-04.

Conditions:
Breast and/or ovarian cancer. Identifiers: MedGen CN221562.
Hereditary cancer-predisposing syndrome. Also called: Tumor predisposition; Hereditary Cancer Syndrome; Neoplastic Syndromes, Hereditary; Hereditary neoplastic syndrome. Identifiers: Orphanet 140162, MedGen C0027672, MeSH D009386, MONDO:0015356.
Familial cancer of breast. Also called: BREAST CANCER, FAMILIAL; Hereditary breast cancer; hereditary breast carcinoma. Identifiers: Orphanet 227535, MedGen C0346153, MONDO:0016419, OMIM 114480. Disease mechanism: loss of function.
Ataxia-telangiectasia syndrome (AT). Also called: LOUIS-BAR SYNDROME; Cerebello-oculocutaneous telangiectasia; Immunodeficiency with ataxia telangiectasia; ATAXIA-TELANGIECTASIA, COMPLEMENTATION GROUP A; ATAXIA-TELANGIECTASIA, FRESNO VARIANT; Ataxia-telangiectasia. Identifiers: Orphanet 100, MedGen C0004135, MONDO:0008840, OMIM 208900.
Hereditary breast ovarian cancer syndrome. Also called: Hereditary breast and ovarian cancer; Hereditary breast and/or ovarian cancer syndrome; BRCA1- and BRCA2-Associated Hereditary Breast and Ovarian Cancer; Hereditary breast and ovarian cancer syndrome; Hereditary breast and ovarian cancer syndrome (HBOC); Breast and ovarian cancer. Identifiers: Orphanet 145, MedGen C0677776, MeSH D061325, MONDO:0003582. Disease mechanism: loss of function.
Malignant tumor of breast. Also called: Malignant breast neoplasm; Cancer breast. Identifiers: MedGen C0006142, MONDO:0007254. Disease mechanism: loss of function.

Allele frequency attached by ClinVar (database versions not stated): gnomAD exomes 0.00623 and 0.01610; ExAC 0.01900; gnomAD 0.05815 and 0.06244; 1000 Genomes Project 0.06230; TOPMed 0.06506; ESP Exome Variant Server 0.06578; 1000 Genomes Project 30x 0.06590.
gnomAD v4.1: 18,395 of 1,612,140 alleles (1.1%); highest among the groups gnomAD compares: African/African-American, 20%; 1,546 homozygotes.

Submissions 1 to 23 of 27:

Labcorp Genetics (formerly Invitae), Labcorp
Classification: Benign for Ataxia-telangiectasia syndrome. Last evaluated: 2026-02-04. Review status: criteria provided, single submitter. Criteria: Invitae Variant Classification Sherloc (09022015). Collection method: clinical testing. Allele origin: germline.

Athena Diagnostics
Classification: Benign. Last evaluated: 2025-09-04. Review status: criteria provided, single submitter. Criteria: Athena Diagnostics Criteria. Collection method: clinical testing. Allele origin: unknown.
Comment: The frequency of this variant in the general population is higher than would generally be expected for pathogenic variants in this gene.

GeneKor MSA
Classification: Benign for Hereditary cancer-predisposing syndrome. Last evaluated: 2025-07-10. Review status: criteria provided, single submitter. Criteria: ACMG Guidelines, 2015. Collection method: clinical testing. Allele origin: germline.

ARUP Laboratories, Molecular Genetics and Genomics, ARUP Laboratories
Classification: Benign. Last evaluated: 2025-05-27. Review status: criteria provided, single submitter. Criteria: ARUP Molecular Germline Variant Investigation Process 2024. Collection method: clinical testing. Allele origin: germline.

Center for Genomic Medicine, Rigshospitalet, Copenhagen University Hospital
Classification: Benign. Last evaluated: 2025-03-04. Review status: criteria provided, single submitter. Criteria: ACMG Guidelines, 2015. Collection method: clinical testing. Allele origin: germline.

Myriad Genetics, Inc.
Classification: Benign for Familial cancer of breast. Last evaluated: 2024-04-19. Review status: criteria provided, single submitter. Criteria: Myriad Autosomal Dominant, Autosomal Recessive and X-Linked Classification Criteria (2023). Collection method: clinical testing. Allele origin: unknown.
Comment: This variant is considered benign. This variant has been observed at a population frequency that is significantly greater than expected given the associated disease prevalence and penetrance. This variant is strongly associated with less severe personal and family histories of cancer, typical for individuals without pathogenic variants in this gene [PMID: 25085752].

KCCC/NGS Laboratory, Kuwait Cancer Control Center
Classification: Benign for Familial cancer of breast. Last evaluated: 2023-07-07. Review status: criteria provided, single submitter. Criteria: ACMG Guidelines, 2015. Collection method: clinical testing. Allele origin: germline. Affected: yes.

National Health Laboratory Service, Universitas Academic Hospital and University of the Free State
Classification: Benign for Hereditary breast ovarian cancer syndrome. Last evaluated: 2022-04-19. Review status: criteria provided, single submitter. Criteria: ACMG Guidelines, 2015. Collection method: clinical testing. Allele origin: germline. Affected: yes. Observed: 112 variant alleles.

Fulgent Genetics
Classification: Benign for Familial cancer of breast; Ataxia-telangiectasia syndrome. Last evaluated: 2021-09-02. Review status: criteria provided, single submitter. Criteria: ACMG Guidelines, 2015. Collection method: clinical testing. Allele origin: unknown.

Mayo Clinic Laboratories, Mayo Clinic
Classification: Benign. Last evaluated: 2021-07-19. Review status: criteria provided, single submitter. Criteria: ACMG Guidelines, 2015. Collection method: clinical testing. Allele origin: germline. Observed: 72 variant alleles.

CHEO Genetics Diagnostic Laboratory, Children's Hospital of Eastern Ontario
Classification: Benign for Breast and/or ovarian cancer. Last evaluated: 2021-05-26. Review status: criteria provided, single submitter. Criteria: ACMG Guidelines, 2015. Collection method: clinical testing. Allele origin: germline.

Institute for Biomarker Research, Medical Diagnostic Laboratories, L.L.C.
Classification: Likely benign for Hereditary cancer-predisposing syndrome. Last evaluated: 2018-05-23. Review status: criteria provided, single submitter. Criteria: ACMG Guidelines, 2015. Collection method: clinical testing. Allele origin: germline.

Illumina Laboratory Services, Illumina
Classification: Benign for Ataxia-telangiectasia syndrome. Last evaluated: 2018-03-06. Review status: criteria provided, single submitter. Criteria: ICSL Variant Classification Criteria 13 December 2019. Collection method: clinical testing. Allele origin: germline.
Comment: This variant was observed in the ICSL laboratory as part of a predisposition screen in an ostensibly healthy population. It had not been previously curated by ICSL or reported in the Human Gene Mutation Database (HGMD: prior to June 1st, 2018), and was therefore a candidate for classification through an automated scoring system. Utilizing variant allele frequency, disease prevalence and penetrance estimates, and inheritance mode, an automated score was calculated to assess if this variant is too frequent to cause the disease. Based on the score and internal cut-off values, a variant classified as benign is not then subjected to further curation. The score for this variant resulted in a classification of benign for this disease.

GeneDx
Classification: Benign. Last evaluated: 2015-03-03. Review status: criteria provided, single submitter. Criteria: GeneDx Variant Classification Process June 2021. Collection method: clinical testing. Allele origin: germline. Affected: yes.
Comment: This variant is associated with the following publications: (PMID: 18502988, 24728327, 27153395, 17333338, 17517479, 22529920, 12552566, 22071889)

Eurofins Ntd Llc (ga)
Classification: Benign. Last evaluated: 2015-02-16. Review status: criteria provided, single submitter. Criteria: EGL Classification Definitions 2015. Collection method: clinical testing. Allele origin: germline. Observed: 1 variant allele, 1 heterozygote.

Ambry Genetics
Classification: Benign for Hereditary cancer-predisposing syndrome. Last evaluated: 2014-11-19. Review status: criteria provided, single submitter. Criteria: Ambry Variant Classification Scheme 2023. Collection method: clinical testing. Allele origin: germline.

Color Diagnostics, LLC DBA Color Health
Classification: Benign for Hereditary cancer-predisposing syndrome. Last evaluated: 2014-11-12. Review status: criteria provided, single submitter. Criteria: ACMG Guidelines, 2015. Collection method: clinical testing. Allele origin: germline.

Breakthrough Genomics
Classification: Likely benign. Review status: criteria provided, single submitter. Criteria: ACMG Guidelines, 2015. Collection method: not provided. Allele origin: germline. Inheritance: Autosomal recessive inheritance. Affected: yes.

PreventionGenetics, part of Exact Sciences
Classification: Benign. Review status: criteria provided, single submitter. Criteria: ACMG Guidelines, 2015. Collection method: clinical testing. Allele origin: germline.

Natera, Inc.
Classification: Benign for Ataxia-telangiectasia. Last evaluated: 2020-09-16. Review status: no assertion criteria provided. Collection method: clinical testing. Allele origin: germline. Not counted in ClinVar's aggregate classification.

ITMI
No classification provided. Condition: AllHighlyPenetrant. Last evaluated: 2013-09-19. Review status: no classification provided. Collection method: reference population. Allele origin: germline. Not counted in ClinVar's aggregate classification.
Comment: Please see associated publication for description of ethnicities

Clinical Genetics Laboratory, Department of Pathology, Netherlands Cancer Institute
Classification: Benign. Review status: no assertion criteria provided. Collection method: clinical testing. Allele origin: germline. Affected: yes. Study: VKGL Data-share Consensus. Not counted in ClinVar's aggregate classification.

Clinical Genetics, Academic Medical Center
Classification: Benign. Review status: no assertion criteria provided. Collection method: clinical testing. Allele origin: germline. Affected: yes. Study: VKGL Data-share Consensus. Not counted in ClinVar's aggregate classification.